The following is an entry in ClinVar:

ClinVar aggregate classification (germline): Pathogenic/Likely pathogenic. Review status: criteria provided, multiple submitters, no conflicts (2 of 4 stars). 3 submissions from 3 submitters: Pathogenic (1); Likely pathogenic (1). 1 of the submissions does not count toward it. Last evaluated 2025-09-02.

Conditions:
Rhizomelic limb shortening with dysmorphic features. Identifiers: MedGen C5394173, MONDO:0032935, OMIM 618821.
Abnormality of the skeletal system. Identifiers: MedGen C4021790, HP:0000924.

Allele frequency attached by ClinVar (database versions not stated): ExAC 0.00002; gnomAD exomes 0.00001; TOPMed 0.00002; gnomAD 0.00002; ESP Exome Variant Server 0.00008.
gnomAD v4.1: 20 of 1,611,774 alleles (0.0012%); highest among the groups gnomAD compares: African/African-American, 0.004%; no homozygotes.

Submissions (3):

Labcorp Genetics (formerly Invitae), Labcorp
Classification: Pathogenic. Last evaluated: 2025-09-02. Review status: criteria provided, single submitter. Criteria: Invitae Variant Classification Sherloc (09022015). Collection method: clinical testing. Allele origin: germline.
Comment: This sequence change replaces leucine, which is neutral and non-polar, with arginine, which is basic and polar, at codon 262 of the PKDCC protein (p.Leu262Arg). This variant is present in population databases (rs373676533, gnomAD 0.007%). This missense change has been observed in individual(s) with clinical features of PKDCC-related skeletal dysplasia (PMID: 36896672; internal data). In at least one individual the data is consistent with being in trans (on the opposite chromosome) from a pathogenic variant. ClinVar contains an entry for this variant (Variation ID: 1356178). An algorithm developed to predict the effect of missense changes on protein structure and function (PolyPhen-2) suggests that this variant is likely to be disruptive. For these reasons, this variant has been classified as Pathogenic.

Kariminejad - Najmabadi Pathology & Genetics Center
Classification: Likely pathogenic for Abnormality of the skeletal system. Last evaluated: 2022-11-17. Review status: criteria provided, single submitter. Criteria: ACMG Guidelines, 2015. Collection method: clinical testing. Allele origin: germline. Inheritance: Autosomal recessive inheritance. Affected: yes.

OMIM
Classification: Pathogenic for RHIZOMELIC LIMB SHORTENING WITH DYSMORPHIC FEATURES. Last evaluated: 2023-04-25. Review status: no assertion criteria provided. Collection method: literature only. Allele origin: germline. Not counted in ClinVar's aggregate classification.

Literature cited by the submitters: PubMed 36896672 (cited by Labcorp Genetics (formerly Invitae), Labcorp and OMIM).

NM_138370.3(PKDCC):c.785T>G (p.Leu262Arg)

Gene: PKDCC (protein kinase domain containing, cytoplasmic; plus strand). Cytogenetic location: 2p21.
Variant type: single nucleotide variant.
Coding change: c.785T>G on transcript NM_138370.3 (MANE Select); coding-DNA position 785, T replaced by G.
Protein change: p.Leu262Arg; replaces leucine 262 with arginine.
Molecular consequence: missense variant.
Genome position (GRCh38, 1-based): chr2:42,054,058, T>G. VCF-style: chr2-42054058-T-G. GRCh37 (hg19) VCF-style: chr2-42281198-T-G.
Other names: PKDCC, LEU262ARG (rs373676533); short protein forms L262R.
Identifiers: ClinVar variation 1356178 (VCV001356178.5), dbSNP rs373676533, ClinGen allele CA1628024.